The following is an entry in ClinVar:

NM_000052.7(ATP7A):c.2637G>T (p.Met879Ile)

Gene: ATP7A (ATPase copper transporting alpha; plus strand). Cytogenetic location: Xq21.1.
Variant type: single nucleotide variant.
Coding change: c.2637G>T on transcript NM_000052.7 (MANE Select); coding-DNA position 2637, G replaced by T.
Protein change: p.Met879Ile; replaces methionine 879 with isoleucine.
Molecular consequence: missense variant.
Genome position (GRCh38, 1-based): chrX:78,020,254, G>T. VCF-style: chrX-78020254-G-T. GRCh37 (hg19) VCF-style: chrX-77275751-G-T.
Other names: c.2403G>T, p.Met801Ile (NM_001282224.2); short protein forms M801I, M879I.
Identifiers: ClinVar variation 3753810 (VCV003753810.2).

ClinVar aggregate classification (germline): Uncertain significance (1 of 4 stars; one submission).

Conditions:
Menkes kinky-hair syndrome (MNK). Also called: Copper transport disease; Menkes Disease; Classic Menkes Disease. Identifiers: Orphanet 565, MedGen C0022716, MONDO:0010651, OMIM 309400.
X-linked distal spinal muscular atrophy type 3. Also called: ATP7A-Related Distal Motor Neuropathy; SPINAL MUSCULAR ATROPHY, DISTAL, X-LINKED RECESSIVE; NEURONOPATHY, DISTAL HEREDITARY MOTOR, X-LINKED; NEUROPATHY, DISTAL HEREDITARY MOTOR, X-LINKED. Identifiers: Orphanet 139557, MedGen C1845359, MONDO:0010338, OMIM 300489.
Cutis laxa, X-linked (OHS). Also called: EDS IX; Occipital horn syndrome. Identifiers: Orphanet 198, MedGen C0268353, MONDO:0010572, OMIM 304150.

Submission:

Labcorp Genetics (formerly Invitae), Labcorp
Classification: Uncertain significance for X-linked distal spinal muscular atrophy type 3; Cutis laxa, X-linked; Menkes kinky-hair syndrome. Last evaluated: 2024-03-01. Review status: criteria provided, single submitter. Criteria: Invitae Variant Classification Sherloc (09022015). Collection method: clinical testing. Allele origin: germline.
Comment: This sequence change replaces methionine, which is neutral and non-polar, with isoleucine, which is neutral and non-polar, at codon 879 of the ATP7A protein (p.Met879Ile). This variant is not present in population databases (gnomAD no frequency). This variant has not been reported in the literature in individuals affected with ATP7A-related conditions. Advanced modeling of protein sequence and biophysical properties (such as structural, functional, and spatial information, amino acid conservation, physicochemical variation, residue mobility, and thermodynamic stability) performed at Invitae indicates that this missense variant is not expected to disrupt ATP7A protein function with a negative predictive value of 95%. In summary, the available evidence is currently insufficient to determine the role of this variant in disease. Therefore, it has been classified as a Variant of Uncertain Significance.